The following is an entry in ClinVar:

NM_033004.4(NLRP1):c.3503dup (p.His1168fs)

Gene: NLRP1 (NLR family pyrin domain containing 1; minus strand). Cytogenetic location: 17p13.2.
Variant type: Duplication.
Coding change: c.3503dup on transcript NM_033004.4 (MANE Select); coding-DNA position 3503, one base duplicated (A; older notation c.3503dupA).
Protein change: p.His1168fs; shifts the reading frame from histidine 1168.
Molecular consequence: frameshift variant.
Genome position (GRCh38, 1-based): chr17:5,530,498, T duplicated on the plus strand (A on the coding strand, the reverse complement: NLRP1 is on the minus strand). VCF-style (leftmost placement, unchanged base first): chr17-5530497-G-GT. GRCh37 (hg19) VCF-style: chr17-5433817-G-GT.
Other names: c.3515dup, p.His1172fs (NM_001033053.3); c.3503dup, p.His1168fs (NM_014922.5); c.3413dup, p.His1138fs (NM_033006.4, NM_033007.4); short protein forms H1138fs, H1168fs, H1172fs.
Identifiers: ClinVar variation 2627232 (VCV002627232.2), dbSNP rs1465199052, ClinGen allele CA773218629.

ClinVar aggregate classification (germline): Uncertain significance. Review status: criteria provided, multiple submitters, no conflicts (2 of 4 stars). 2 submissions from 2 submitters: Uncertain significance (2). Last evaluated 2025-07-13.

Allele frequency attached by ClinVar (database versions not stated): gnomAD exomes below 0.00001; TOPMed 0.00002; gnomAD 0.00003.

Submissions (2):

Labcorp Genetics (formerly Invitae), Labcorp
Classification: Uncertain significance. Last evaluated: 2025-07-13. Review status: criteria provided, single submitter. Criteria: Invitae Variant Classification Sherloc (09022015). Collection method: clinical testing. Allele origin: germline.
Comment: This sequence change creates a premature translational stop signal (p.His1168Glnfs*21) in the NLRP1 gene. It is expected to result in an absent or disrupted protein product. However, the current clinical and genetic evidence is not sufficient to establish whether loss-of-function variants in NLRP1 cause disease. This variant is not present in population databases (gnomAD no frequency). This variant has not been reported in the literature in individuals affected with NLRP1-related conditions. ClinVar contains an entry for this variant (Variation ID: 2627232). In summary, the available evidence is currently insufficient to determine the role of this variant in disease. Therefore, it has been classified as a Variant of Uncertain Significance.

Women's Health and Genetics/Laboratory Corporation of America, LabCorp
Classification: Uncertain significance. Last evaluated: 2023-09-14. Review status: criteria provided, single submitter. Criteria: LabCorp Variant Classification Summary - May 2015. Collection method: clinical testing. Allele origin: germline.
Comment: Variant summary: NLRP1 c.3503dupA (p.His1168GlnfsX21) results in a premature termination codon, predicted to cause a truncation of the encoded protein or absence of the protein due to nonsense mediated decay, however the molecular mechanism of disease attributed to NLRP1 is currently unknown. The variant was absent in 251358 control chromosomes (gnomAD). The available data on variant occurrences in the general population are insufficient to allow any conclusion about variant significance. To our knowledge, no occurrence of c.3503dupA in individuals affected with NLRP1-Related Disorders and no experimental evidence demonstrating its impact on protein function have been reported. No submitters have cited clinical-significance assessments for this variant to ClinVar after 2014. Based on the evidence outlined above, the variant was classified as uncertain significance.